The following is an entry in ClinVar:

ClinVar aggregate classification (germline): Uncertain significance (1 of 4 stars; one submission).

Allele frequency attached by ClinVar (database versions not stated): gnomAD exomes below 0.00001.
gnomAD v4.1: 3 of 1,612,974 alleles (0.00019%); highest among the groups gnomAD compares: Middle Eastern, 0.017%; no homozygotes.

Submission:

Labcorp Genetics (formerly Invitae), Labcorp
Classification: Uncertain significance. Last evaluated: 2023-04-24. Review status: criteria provided, single submitter. Criteria: Invitae Variant Classification Sherloc (09022015). Collection method: clinical testing. Allele origin: germline.
Comment: An algorithm developed to predict the effect of missense changes on protein structure and function (PolyPhen-2) suggests that this variant is likely to be disruptive. ClinVar contains an entry for this variant (Variation ID: 1390902). This variant has not been reported in the literature in individuals affected with HMCN1-related conditions. This variant is not present in population databases (gnomAD no frequency). This sequence change replaces valine, which is neutral and non-polar, with isoleucine, which is neutral and non-polar, at codon 3129 of the HMCN1 protein (p.Val3129Ile). In summary, the available evidence is currently insufficient to determine the role of this variant in disease. Therefore, it has been classified as a Variant of Uncertain Significance.

NM_031935.3(HMCN1):c.9385G>A (p.Val3129Ile)

Gene: HMCN1 (hemicentin 1; plus strand). Cytogenetic location: 1q31.1.
Variant type: single nucleotide variant.
Coding change: c.9385G>A on transcript NM_031935.3 (MANE Select); coding-DNA position 9385, G replaced by A.
Protein change: p.Val3129Ile; replaces valine 3129 with isoleucine.
Molecular consequence: missense variant.
Genome position (GRCh38, 1-based): chr1:186,087,953, G>A. VCF-style: chr1-186087953-G-A. GRCh37 (hg19) VCF-style: chr1-186057085-G-A.
Other names: short protein forms V3129I.
Identifiers: ClinVar variation 1390902 (VCV001390902.6), dbSNP rs2102403123, ClinGen allele CA343920723.